The following is an entry in ClinVar:

ClinVar aggregate classification (germline): Benign/Likely benign. Review status: criteria provided, multiple submitters, no conflicts (2 of 4 stars). 4 submissions from 4 submitters: Benign (1); Likely benign (3). Last evaluated 2026-06-01.

Allele frequency attached by ClinVar (database versions not stated): 1000 Genomes Project 30x 0.00016; 1000 Genomes Project 0.00020; gnomAD 0.00054; gnomAD exomes 0.00061 and 0.00070; TOPMed 0.00065; ESP Exome Variant Server 0.00069; ExAC 0.00084.

Submissions (4):

CeGaT Center for Human Genetics Tuebingen
Classification: Likely benign. Last evaluated: 2026-06-01. Review status: criteria provided, single submitter. Criteria: CeGaT Center For Human Genetics Tuebingen Variant Classification Criteria Version 2. Collection method: clinical testing. Allele origin: germline. Affected: yes. Observed: 2 variant alleles.
Comment: DNAJC12: BP4, BP7

Labcorp Genetics (formerly Invitae), Labcorp
Classification: Benign. Last evaluated: 2026-01-21. Review status: criteria provided, single submitter. Criteria: Invitae Variant Classification Sherloc (09022015). Collection method: clinical testing. Allele origin: germline.

Women's Health and Genetics/Laboratory Corporation of America, LabCorp
Classification: Likely benign. Last evaluated: 2024-12-09. Review status: criteria provided, single submitter. Criteria: LabCorp Variant Classification Summary - May 2015. Collection method: clinical testing. Allele origin: germline.

Blueprint Genetics
Classification: Likely benign. Last evaluated: 2024-11-21. Review status: criteria provided, single submitter. Criteria: ACMG Guidelines, 2015. Collection method: clinical testing. Allele origin: germline.

NM_021800.3(DNAJC12):c.115C>T (p.Leu39=)

Gene: DNAJC12 (DnaJ heat shock protein family (Hsp40) member C12; minus strand). Cytogenetic location: 10q21.3.
Variant type: single nucleotide variant.
Coding change: c.115C>T on transcript NM_021800.3 (MANE Select); coding-DNA position 115, C replaced by T.
Protein change: p.Leu39=; no amino-acid change (leucine 39 retained).
Molecular consequence: synonymous variant.
Genome position (GRCh38, 1-based): chr10:67,823,356, G>A on the plus strand (C>T on the coding strand, the complement: DNAJC12 is on the minus strand). VCF-style: chr10-67823356-G-A. GRCh37 (hg19) VCF-style: chr10-69583114-G-A.
Other names: c.115C>T, p.Leu39= (NM_201262.2).
Identifiers: ClinVar variation 716805 (VCV000716805.19), dbSNP rs61757221, ClinGen allele CA5520918.
Genomic context (GRCh38, chr10:67,823,356, plus strand): 5'-CCTTTATTAAGTTCTTACCAGCTTTGGGGTTTTCAGGATGCTTGTCTGGGTGACATTCCA[G>A]AGCTCTGACTTTAAATTCTGCCAGGATTTGTTCAACCTGAAACAAAAATCAGTGTTTAAA-3'
Protein context (NP_068572.1, residues 29-49): QILAEFKVRA[Leu39=]ECHPDKHPEN